The following is an entry in ClinVar:

NM_020442.6(VARS2):c.1048G>A (p.Val350Ile)

Gene: VARS2 (valyl-tRNA synthetase 2, mitochondrial; plus strand). Cytogenetic location: 6p21.33.
Variant type: single nucleotide variant.
Coding change: c.1048G>A on transcript NM_020442.6 (MANE Select); coding-DNA position 1048, G replaced by A.
Protein change: p.Val350Ile; replaces valine 350 with isoleucine.
Molecular consequence: missense variant.
Genome position (GRCh38, 1-based): chr6:30,918,889, G>A. VCF-style: chr6-30918889-G-A. GRCh37 (hg19) VCF-style: chr6-30886666-G-A.
Other names: c.628G>A, p.Val210Ile (NM_001167733.3); c.1138G>A, p.Val380Ile (NM_001167734.2); short protein forms V350I, V380I, V210I.
Identifiers: ClinVar variation 1494632 (VCV001494632.6), dbSNP rs773112651, ClinGen allele CA3705786.

ClinVar aggregate classification (germline): Uncertain significance (1 of 4 stars; one submission).

Allele frequency attached by ClinVar (database versions not stated): gnomAD exomes below 0.00001 and 0.00001; ExAC 0.00001; TOPMed 0.00001.

Submission:

Labcorp Genetics (formerly Invitae), Labcorp
Classification: Uncertain significance. Last evaluated: 2024-01-22. Review status: criteria provided, single submitter. Criteria: Invitae Variant Classification Sherloc (09022015). Collection method: clinical testing. Allele origin: germline.
Comment: This sequence change replaces valine, which is neutral and non-polar, with isoleucine, which is neutral and non-polar, at codon 380 of the VARS2 protein (p.Val380Ile). This variant is present in population databases (rs773112651, gnomAD 0.002%). This missense change has been observed in individual(s) with clinical features of VARS2-related conditions (Invitae). In at least one individual the data is consistent with being in trans (on the opposite chromosome) from a pathogenic variant. ClinVar contains an entry for this variant (Variation ID: 1494632). Advanced modeling of protein sequence and biophysical properties (such as structural, functional, and spatial information, amino acid conservation, physicochemical variation, residue mobility, and thermodynamic stability) performed at Invitae indicates that this missense variant is not expected to disrupt VARS2 protein function with a negative predictive value of 80%. In summary, the available evidence is currently insufficient to determine the role of this variant in disease. Therefore, it has been classified as a Variant of Uncertain Significance.